The following is an entry in ClinVar:

ClinVar aggregate classification (germline): Uncertain significance (1 of 4 stars; one submission).

Conditions:
Inborn genetic diseases. Identifiers: MedGen C0950123, MeSH D030342.

Submission:

Ambry Genetics
Classification: Uncertain significance for Inborn genetic diseases. Last evaluated: 2026-07-06. Review status: criteria provided, single submitter. Criteria: Ambry Variant Classification Scheme 2023. Collection method: clinical testing. Allele origin: germline.
Comment: The p.Q353K variant (also known as c.1057C>A), located in coding exon 6 of the WT1 gene, results from a C to A substitution at nucleotide position 1057. The glutamine at codon 353 is replaced by lysine, an amino acid with similar properties. This amino acid position is conserved. In addition, this alteration is predicted to be deleterious by in silico analysis. Based on the available evidence, the clinical significance of this variant remains unclear.

NM_024426.6(WT1):c.1072C>A (p.Gln358Lys)

Gene: WT1 (WT1 transcription factor; minus strand). Cytogenetic location: 11p13.
Variant type: single nucleotide variant.
Coding change: c.1072C>A on transcript NM_024426.6 (MANE Select); coding-DNA position 1072, C replaced by A.
Protein change: p.Gln358Lys; replaces glutamine 358 with lysine.
Molecular consequence: missense variant. On other transcripts: 5 prime UTR variant (1), non-coding transcript variant (2).
Genome position (GRCh38, 1-based): chr11:32,399,989, G>T on the plus strand (C>A on the coding strand, the complement: WT1 is on the minus strand). VCF-style: chr11-32399989-G-T. GRCh37 (hg19) VCF-style: chr11-32421535-G-T.
Other names: c.949C>A, p.Gln317Lys (NM_001407047.1); c.1021C>A, p.Gln341Lys (NM_001407048.1, NM_001407049.1, NM_000378.6 and 1 more transcripts); c.898C>A, p.Gln300Lys (NM_001407050.1); c.310C>A, p.Gln104Lys (NM_001407051.1); c.853C>A, p.Gln285Lys (NM_001429031.1, NM_001429032.1); c.802C>A, p.Gln268Lys (NM_001429033.1, NM_001429034.1); c.1072C>A, p.Gln358Lys (NM_024424.5, NM_001407046.1); c.421C>A, p.Gln141Lys (NM_001198551.2); and 3 more; short protein forms Q268K, Q124K, Q300K, Q353K, Q358K, Q356K, Q104K, Q141K.
Identifiers: ClinVar variation 5032033 (VCV005032033.1).